The following is an entry in ClinVar:

ClinVar aggregate classification (germline): Uncertain significance. Review status: criteria provided, multiple submitters, no conflicts (2 of 4 stars). 3 submissions from 3 submitters: Uncertain significance (3). Last evaluated 2025-05-17.

Conditions:
Hereditary spherocytosis type 1. Also called: Spherocytosis type 1; ANK1-Related Spherocytosis. Identifiers: Orphanet 822, MedGen C2674218, MONDO:0008447, OMIM 182900.

Allele frequency attached by ClinVar (database versions not stated): gnomAD 0.00005; gnomAD exomes 0.00005; ExAC 0.00006; TOPMed 0.00008; 1000 Genomes Project 30x 0.00016; 1000 Genomes Project 0.00020.
gnomAD v4.1: 84 of 1,614,200 alleles (0.0052%); highest among the groups gnomAD compares: Admixed American, 0.027%; no homozygotes.

Submissions (3):

Mayo Clinic Laboratories, Mayo Clinic
Classification: Uncertain significance. Last evaluated: 2025-05-17. Review status: criteria provided, single submitter. Criteria: ACMG Guidelines, 2015. Collection method: clinical testing. Allele origin: germline. Observed: 1 variant allele.
Comment: BP4, PM2_supporting

Labcorp Genetics (formerly Invitae), Labcorp
Classification: Uncertain significance. Last evaluated: 2024-07-16. Review status: criteria provided, single submitter. Criteria: Invitae Variant Classification Sherloc (09022015). Collection method: clinical testing. Allele origin: germline.
Comment: This sequence change replaces valine, which is neutral and non-polar, with isoleucine, which is neutral and non-polar, at codon 104 of the ANK1 protein (p.Val104Ile). This variant is present in population databases (rs561134856, gnomAD 0.04%). This missense change has been observed in individual(s) with spherocytosis (PMID: 35351432). This variant is also known as 409G>A (p.Val137Ile). ClinVar contains an entry for this variant (Variation ID: 2439045). An algorithm developed to predict the effect of missense changes on protein structure and function (PolyPhen-2) suggests that this variant is likely to be disruptive. In summary, the available evidence is currently insufficient to determine the role of this variant in disease. Therefore, it has been classified as a Variant of Uncertain Significance.

Revvity Omics, Revvity
Classification: Uncertain significance for Hereditary spherocytosis type 1. Last evaluated: 2022-11-15. Review status: criteria provided, single submitter. Criteria: ACMG Guidelines, 2015. Collection method: clinical testing. Allele origin: germline.

Literature cited by the submitters: PubMed 35351432 (cited by Mayo Clinic Laboratories, Mayo Clinic and Labcorp Genetics (formerly Invitae), Labcorp).

NM_000037.4(ANK1):c.310G>A (p.Val104Ile)

Gene: ANK1 (ankyrin 1; minus strand). Cytogenetic location: 8p11.21.
Variant type: single nucleotide variant.
Coding change: c.310G>A on transcript NM_000037.4 (MANE Select); coding-DNA position 310, G replaced by A.
Protein change: p.Val104Ile; replaces valine 104 with isoleucine.
Molecular consequence: missense variant.
Genome position (GRCh38, 1-based): chr8:41,727,925, C>T on the plus strand (G>A on the coding strand, the complement: ANK1 is on the minus strand). VCF-style: chr8-41727925-C-T. GRCh37 (hg19) VCF-style: chr8-41585443-C-T.
Other names: p.Val104Ile; c.409G>A, p.Val137Ile (NM_001142446.2); c.310G>A, p.Val104Ile (NM_020475.3, NM_020476.3, NM_020477.3); short protein forms V104I, V137I.
Identifiers: ClinVar variation 2439045 (VCV002439045.6), dbSNP rs561134856, ClinGen allele CA4729025.
Genomic context (GRCh38, chr8:41,727,925, plus strand): 5'-GTGGAAAGGCAACACCCTCTAGTCCAGACCAGAGAGCCATTACCTGTGACTGGGCGTTGA[C>T]GTTGGCTCCATAGTTGACAAGCTCCCGGACCACCTCATCCTGCCCGGCTAGAGCAGCGAT-3'
Protein context (NP_000028.3, residues 94-114): VRELVNYGAN[Val104Ile]NAQSQKGFTP